The following is an entry in ClinVar:

NM_001291415.2(KDM6A):c.101G>C (p.Ser34Thr)

Gene: KDM6A (lysine demethylase 6A; plus strand). Cytogenetic location: Xp11.3.
Variant type: single nucleotide variant.
Coding change: c.101G>C on transcript NM_001291415.2 (MANE Select); coding-DNA position 101, G replaced by C.
Protein change: p.Ser34Thr; replaces serine 34 with threonine.
Molecular consequence: missense variant. On other transcripts: 5 prime UTR variant (1), non-coding transcript variant (1).
Genome position (GRCh38, 1-based): chrX:44,873,652, G>C. VCF-style: chrX-44873652-G-C. GRCh37 (hg19) VCF-style: chrX-44732898-G-C.
Other names: c.101G>C, p.Ser34Thr (NM_001291416.2, NM_001291417.2, NM_001291418.2 and 9 more transcripts); c.-532G>C (NM_001291421.2); short protein forms S34T.
Identifiers: ClinVar variation 3113873 (VCV003113873.2), dbSNP rs749979159, ClinGen allele CA10392103.
Genomic context (GRCh38, chrX:44,873,652, plus strand): 5'-CCGCCGCCGCTTTCGGTGATGAGGAAAAGAAAATGGCGGCGGGAAAAGCGAGCGGCGAGA[G>C]CGAGGAGGCGTCCCCCAGCCTGACAGCCGAGGAGAGGGAGGCGCTCGGCGGACTGGACAG-3'
Protein context (NP_001278344.1, residues 24-44): KMAAGKASGE[Ser34Thr]EEASPSLTAE

ClinVar aggregate classification (germline): Uncertain significance. Review status: criteria provided, multiple submitters, no conflicts (2 of 4 stars). 2 submissions from 2 submitters: Uncertain significance (2). Last evaluated 2024-03-07.

Conditions:
Inborn genetic diseases. Identifiers: MedGen C0950123, MeSH D030342.

Allele frequency attached by ClinVar (database versions not stated): gnomAD exomes below 0.00001; gnomAD 0.00001; TOPMed 0.00001; ExAC 0.00004.
gnomAD v4.1: 3 of 1,189,360 alleles (0.00025%); highest among the groups gnomAD compares: African/African-American, 0.0052%; no homozygotes.

Submissions (2):

Ambry Genetics
Classification: Uncertain significance for Inborn genetic diseases. Last evaluated: 2024-03-07. Review status: criteria provided, single submitter. Criteria: Ambry Variant Classification Scheme 2023. Collection method: clinical testing. Allele origin: germline.

GeneDx
Classification: Uncertain significance. Last evaluated: 2023-06-29. Review status: criteria provided, single submitter. Criteria: GeneDx Variant Classification Process June 2021. Collection method: clinical testing. Allele origin: germline. Affected: yes.
Comment: In silico analysis supports that this missense variant does not alter protein structure/function; Has not been previously published as pathogenic or benign to our knowledge